The following continues an entry in ClinVar:

NM_000363.5(TNNI3):c.574C>T (p.Arg192Cys)

Gene: TNNI3. ClinVar aggregate classification (germline): Likely pathogenic. Likely pathogenic (1).

Submissions 9 to 11 of 11:

Center for Genomics, Ann and Robert H. Lurie Children's Hospital of Chicago
Classification: Likely pathogenic for Dilated cardiomyopathy 2A; Hypertrophic cardiomyopathy 7; Cardiomyopathy, familial restrictive, 1; Dilated cardiomyopathy 1FF. Review status: criteria provided, single submitter. Criteria: ACMG Guidelines, 2015. Collection method: clinical testing. Allele origin: germline. Not counted in ClinVar's aggregate classification.
Comment: This variant is not present in large control databases. This variant is present in ClinVar (Variation ID:165510). Evolutionary conservation and computational predictive tools suggest that this variant may impact the protein. Of note, other variants at this same codon have strong evidence for pathogenicity (p.Arg192His) and/or have been reported in the literature in individuals with disease (p.Arg192Leu), supporting that this region has significance. In summary, data on this variant is highly suspicious for disease, but requires further evidence for pathogenicity. Therefore, this variant classified as likely pathogenic.

Neuberg Centre For Genomic Medicine, NCGM
Classification: Pathogenic for Cardiomyopathy, familial restrictive, 1. Review status: criteria provided, single submitter. Criteria: ACMG Guidelines, 2015. Collection method: clinical testing. Allele origin: germline. Inheritance: Autosomal dominant inheritance. Affected: yes. Not counted in ClinVar's aggregate classification.
Comment: The observed missense c.574C>T(p.Arg192Cys) variant in TNNI3 gene has been reported previously in multiple individuals affected with TNNI3-associated cardiac disorders (Ueno M, et al., 2020; van den Wijngaard A, et al., 2011; Millat G, et al., 2010). The p.Arg192Cys variant is absent in gnomAD Exomes. This variant has been submitted to the ClinVar database as Pathogenic (multiple submissions). Other missense variants (p.Arg192His, p.Arg192Pro, and p.Arg192Leu) in the same position have been reported as Pathogenic (Alfares AA, et al., 2015; Mogensen J, et al., 2003). The amino acid change p.Arg192Cys in TNNI3 is predicted as conserved by GERP++ and PhyloP across 100 vertebrates. The amino acid Arg at position 192 is changed to a Cys changing protein sequence and it might alter its composition and physico-chemical properties. For these reasons, this variant has been classified as Pathogenic.

Clinical Laboratory Sciences Program (CLSP), King Saud bin Abdulaziz University for Health Sciences (KSAU-HS)
Classification: Pathogenic for Hypertrophic cardiomyopathy 7. Last evaluated: 2023-04-01. Review status: no assertion criteria provided. Collection method: clinical testing. Allele origin: germline. Affected: yes. Not counted in ClinVar's aggregate classification.

Literature cited by the submitters: PubMed 20800588 (cited by Labcorp Genetics (formerly Invitae), Labcorp and Laboratory for Molecular Medicine, Mass General Brigham Personalized Medicine); PubMed 21533915 (cited by 3 submitters); PubMed 29907873 (cited by Labcorp Genetics (formerly Invitae), Labcorp); PubMed 12531876 (cited by Labcorp Genetics (formerly Invitae), Labcorp); PubMed 25611685 (cited by Labcorp Genetics (formerly Invitae), Labcorp); PubMed 15070570 (cited by Victorian Clinical Genetics Services, Murdoch Childrens Research Institute); PubMed 15607392 (cited by Victorian Clinical Genetics Services, Murdoch Childrens Research Institute); PubMed 19914256 (cited by Victorian Clinical Genetics Services, Murdoch Childrens Research Institute); PubMed 23270746 (cited by Victorian Clinical Genetics Services, Murdoch Childrens Research Institute); PubMed 32731933 (cited by Victorian Clinical Genetics Services, Murdoch Childrens Research Institute); PubMed 33841591 (cited by Victorian Clinical Genetics Services, Murdoch Childrens Research Institute); PubMed 34930847 (cited by Victorian Clinical Genetics Services, Murdoch Childrens Research Institute).